The following is an entry in ClinVar:

NM_001330078.2(NRXN1):c.1361G>A (p.Arg454Gln)

Gene: NRXN1 (neurexin 1; minus strand). Cytogenetic location: 2p16.3.
Variant type: single nucleotide variant.
Coding change: c.1361G>A on transcript NM_001330078.2 (MANE Select); coding-DNA position 1361, G replaced by A.
Protein change: p.Arg454Gln; replaces arginine 454 with glutamine.
Molecular consequence: missense variant.
Genome position (GRCh38, 1-based): chr2:50,552,985, C>T on the plus strand (G>A on the coding strand, the complement: NRXN1 is on the minus strand). VCF-style: chr2-50552985-C-T. GRCh37 (hg19) VCF-style: chr2-50780123-C-T.
Other names: c.1481G>A, p.Arg494Gln (NM_001135659.3); c.1337G>A, p.Arg446Gln (NM_001330077.2, NM_001330082.2, NM_001330095.2); c.1322G>A, p.Arg441Gln (NM_001330083.2, NM_001330084.2); c.1361G>A, p.Arg454Gln (NM_001330085.2, NM_001330086.2, NM_004801.6); c.1277G>A, p.Arg426Gln (NM_001330087.2, NM_001330096.2); c.1307G>A, p.Arg436Gln (NM_001330088.2); c.1358G>A, p.Arg453Gln (NM_001330093.2); c.1349G>A, p.Arg450Gln (NM_001330094.2); short protein forms R426Q, R436Q, R441Q, R446Q, R450Q, R453Q, R454Q, R494Q.
Identifiers: ClinVar variation 928907 (VCV000928907.5), dbSNP rs199592328, ClinGen allele CA47333005.

ClinVar aggregate classification (germline): Uncertain significance. Review status: criteria provided, multiple submitters, no conflicts (2 of 4 stars). 2 submissions from 2 submitters: Uncertain significance (2). Last evaluated 2022-08-02.

Conditions:
Pitt-Hopkins-like syndrome 2 (PTHSL2). Identifiers: Orphanet 221150, Orphanet 600663, MedGen C3280479, MONDO:0013690, OMIM 614325.

Allele frequency attached by ClinVar (database versions not stated): gnomAD exomes below 0.00001 and 0.00001; TOPMed below 0.00001; gnomAD 0.00001.
gnomAD v4.1: 15 of 1,612,522 alleles (0.00093%); highest among the groups gnomAD compares: African/African-American, 0.004%; 1 homozygote.

Submissions (2):

Labcorp Genetics (formerly Invitae), Labcorp
Classification: Uncertain significance for Pitt-Hopkins-like syndrome 2. Last evaluated: 2022-08-02. Review status: criteria provided, single submitter. Criteria: Invitae Variant Classification Sherloc (09022015). Collection method: clinical testing. Allele origin: germline.
Comment: This variant is present in population databases (rs199592328, gnomAD 0.003%). In summary, the available evidence is currently insufficient to determine the role of this variant in disease. Therefore, it has been classified as a Variant of Uncertain Significance. Algorithms developed to predict the effect of missense changes on protein structure and function are either unavailable or do not agree on the potential impact of this missense change (SIFT: "Tolerated"; PolyPhen-2: "Probably Damaging"; Align-GVGD: "Class C0"). ClinVar contains an entry for this variant (Variation ID: 928907). This variant has not been reported in the literature in individuals affected with NRXN1-related conditions. This sequence change replaces arginine, which is basic and polar, with glutamine, which is neutral and polar, at codon 494 of the NRXN1 protein (p.Arg494Gln).

Women's Health and Genetics/Laboratory Corporation of America, LabCorp
Classification: Uncertain significance. Last evaluated: 2019-08-16. Review status: criteria provided, single submitter. Criteria: LabCorp Variant Classification Summary - May 2015. Collection method: clinical testing. Allele origin: germline.
Comment: Variant summary: NRXN1 c.1481G>A (p.Arg494Gln) results in a conservative amino acid change located in the Laminin G domain (IPR001791) of the encoded protein sequence. Two of four in-silico tools predict a benign effect of the variant on protein function. The variant allele was found at a frequency of 4e-06 in 248348 control chromosomes (gnomAD). The available data on variant occurrences in the general population are insufficient to allow any conclusion about variant significance. To our knowledge, no occurrence of c.1481G>A in individuals affected with Pitt-Hopkins-like syndrome 2 and no experimental evidence demonstrating its impact on protein function have been reported. No clinical diagnostic laboratories have submitted clinical-significance assessments for this variant to ClinVar after 2014. Based on the evidence outlined above, the variant was classified as uncertain significance.